The following is an entry in ClinVar:

NM_001876.4(CPT1A):c.483dup (p.Pro162fs)

Gene: CPT1A (carnitine palmitoyltransferase 1A; minus strand). Cytogenetic location: 11q13.3.
Variant type: Duplication.
Coding change: c.483dup on transcript NM_001876.4 (MANE Select); coding-DNA position 483, one base duplicated (A; older notation c.483dupA).
Protein change: p.Pro162fs; shifts the reading frame from proline 162.
Molecular consequence: frameshift variant.
Genome position (GRCh38, 1-based): chr11:68,804,072, T duplicated on the plus strand (A on the coding strand, the reverse complement: CPT1A is on the minus strand); the first of 4 consecutive T bases (chr11:68,804,072-68,804,075); duplicating any one gives the same sequence. VCF-style (leftmost placement, unchanged base first): chr11-68804071-G-GT. GRCh37 (hg19) VCF-style: chr11-68571539-G-GT.
Other names: c.483dup, p.Pro162fs (NM_001031847.3); short protein forms P162fs.
Identifiers: ClinVar variation 1726161 (VCV001726161.2), dbSNP rs2495650913, ClinGen allele CA2580084751.

ClinVar aggregate classification (germline): Likely pathogenic (1 of 4 stars; one submission).

Conditions:
Carnitine palmitoyl transferase 1A deficiency. Also called: CPT I DEFICIENCY; CPT DEFICIENCY, HEPATIC, TYPE I; Carnitine palmitoyltransferase type I deficiency; CPT deficiency, hepatic, type IA; Carnitine palmitoyltransferase 1A deficiency. Identifiers: Orphanet 156, MedGen C1829703, MONDO:0009705, OMIM 255120.

Submission:

Myriad Genetics, Inc.
Classification: Likely pathogenic for Carnitine palmitoyl transferase 1A deficiency. Last evaluated: 2022-05-18. Review status: criteria provided, single submitter. Criteria: Myriad Women's Health Autosomal Recessive and X-Linked Classification Criteria (2021). Collection method: clinical testing. Allele origin: unknown.
Comment: NM_001876.3(CPT1A):c.483dupA(P162Tfs*152) is expected to be pathogenic in the context of carnitine palmitoyltransferase IA deficiency. This variant is predicted to lead to an abnormal or absent protein product due to the creation of a premature termination codon in CPT1A, a gene where loss-of-function variants are known to be pathogenic. Please note: this variant was assessed in the context of healthy population screening.